The following is an entry in ClinVar:

NM_001003800.2(BICD2):c.1069C>T (p.Arg357Trp)

Gene: BICD2 (BICD cargo adaptor 2; minus strand). Cytogenetic location: 9q22.31.
Variant type: single nucleotide variant.
Coding change: c.1069C>T on transcript NM_001003800.2 (MANE Select); coding-DNA position 1069, C replaced by T.
Protein change: p.Arg357Trp; replaces arginine 357 with tryptophan.
Molecular consequence: missense variant.
Genome position (GRCh38, 1-based): chr9:92,719,576, G>A on the plus strand (C>T on the coding strand, the complement: BICD2 is on the minus strand). VCF-style: chr9-92719576-G-A. GRCh37 (hg19) VCF-style: chr9-95481858-G-A.
Other names: p.Arg357Trp; c.1069C>T, p.Arg357Trp (NM_015250.4); short protein forms R357W.
Identifiers: ClinVar variation 423187 (VCV000423187.16), dbSNP rs202119238, ClinGen allele CA5126640.
Genomic context (GRCh38, chr9:92,719,576, plus strand): 5'-GCGTGTGCTCCAGCTGCTTCTGTGTGTCCTGCAGCGTTGCCAGCAGGCCCGCCTTTTCCC[G>A]CTCCATCTGCAAAGGCACAGGCAGCAGGACACCATGTCAGTTGCTATGGACCCCGAGAGC-3'
Protein context (NP_001003800.1, residues 347-367): KLKQQLMQME[Arg357Trp]EKAGLLATLQ

ClinVar aggregate classification (germline): Conflicting classifications of pathogenicity. Review status: criteria provided, conflicting classifications (1 of 4 stars). 5 submissions from 5 submitters: Uncertain significance (1); Benign (1); Likely benign (3). Last evaluated 2025-10-20.

Conditions:
Autosomal dominant childhood-onset proximal spinal muscular atrophy with contractures (SMALED2A). Also called: SPINAL MUSCULAR ATROPHY, LOWER EXTREMITY-PREDOMINANT, 2A, CHILDHOOD ONSET, AUTOSOMAL DOMINANT; Spinal muscular atrophy, lower extremity-predominant, 2A, autosomal dominant. Identifiers: Orphanet 363447, Orphanet 363454, MedGen C4747715, MONDO:0014121, OMIM 615290.
Inborn genetic diseases. Identifiers: MedGen C0950123, MeSH D030342.

Allele frequency attached by ClinVar (database versions not stated): 1000 Genomes Project 30x 0.00016; 1000 Genomes Project 0.00020; gnomAD exomes 0.00020 and 0.00029; gnomAD 0.00022; ESP Exome Variant Server 0.00023; TOPMed 0.00032; ExAC 0.00041.
gnomAD v4.1: 330 of 1,600,232 alleles (0.021%); highest among the groups gnomAD compares: Admixed American, 0.052%; no homozygotes.

Submissions (5):

Labcorp Genetics (formerly Invitae), Labcorp
Classification: Likely benign for Autosomal dominant childhood-onset proximal spinal muscular atrophy with contractures. Last evaluated: 2025-10-20. Review status: criteria provided, single submitter. Criteria: Invitae Variant Classification Sherloc (09022015). Collection method: clinical testing. Allele origin: germline.

Blueprint Genetics
Classification: Likely benign. Last evaluated: 2024-02-13. Review status: criteria provided, single submitter. Criteria: ACMG Guidelines, 2015. Collection method: clinical testing. Allele origin: germline.

Mayo Clinic Laboratories, Mayo Clinic
Classification: Benign. Last evaluated: 2023-02-02. Review status: criteria provided, single submitter. Criteria: ACMG Guidelines, 2015. Collection method: clinical testing. Allele origin: germline. Observed: 2 variant alleles.
Comment: BS1, BS2

Ambry Genetics
Classification: Likely benign for Inborn genetic diseases. Last evaluated: 2019-11-27. Review status: criteria provided, single submitter. Criteria: Ambry Variant Classification Scheme 2023. Collection method: clinical testing. Allele origin: germline.

GeneDx
Classification: Uncertain significance. Last evaluated: 2017-01-27. Review status: criteria provided, single submitter. Criteria: GeneDx Variant Classification (06012015). Collection method: clinical testing. Allele origin: germline. Affected: yes.
Comment: The R357W variant has not been published as a pathogenic variant, nor has it been reported as a benign variant to our knowledge. The R357W variant is observed in 31/47044 (0.07%) alleles from individuals of European background (Lek et al., 2016; 1000 Genomes Consortium et al., 2015; Exome Variant Server). The R357W variant is a non-conservative amino acid substitution, which is likely to impact secondary protein structure as these residues differ in polarity, charge, size and/or other properties. This substitution occurs at a position that is conserved across species, and in silico analysis predicts this variant is probably damaging to the protein structure/function.